The following is an entry in ClinVar:

ClinVar aggregate classification (germline): Pathogenic. Review status: criteria provided, multiple submitters, no conflicts (2 of 4 stars). 20 submissions from 20 submitters: Pathogenic (16). 4 of the submissions do not count toward it. Last evaluated 2026-01-20.

Conditions:
ATM-related disorder. Also called: ATM-related disorders; ATM-related condition.
Hereditary cancer-predisposing syndrome. Also called: Tumor predisposition; Hereditary neoplastic syndrome; Neoplastic Syndromes, Hereditary; Hereditary Cancer Syndrome. Identifiers: Orphanet 140162, MedGen C0027672, MeSH D009386, MONDO:0015356.
Ataxia-telangiectasia syndrome (AT). Also called: Cerebello-oculocutaneous telangiectasia; Immunodeficiency with ataxia telangiectasia; ATAXIA-TELANGIECTASIA, COMPLEMENTATION GROUP A; ATAXIA-TELANGIECTASIA, FRESNO VARIANT; Ataxia-telangiectasia; Ataxia-telangiectasia, complementation group D. Identifiers: Orphanet 100, MedGen C0004135, MONDO:0008840, OMIM 208900.
Familial cancer of breast. Also called: hereditary breast carcinoma; Hereditary breast cancer; BREAST CANCER, FAMILIAL. Identifiers: Orphanet 227535, MedGen C0346153, MONDO:0016419, OMIM 114480. Disease mechanism: loss of function.

Submissions 1 to 13 of 20:

Labcorp Genetics (formerly Invitae), Labcorp
Classification: Pathogenic for Ataxia-telangiectasia syndrome. Last evaluated: 2026-01-20. Review status: criteria provided, single submitter. Criteria: Invitae Variant Classification Sherloc (09022015). Collection method: clinical testing. Allele origin: germline.
Comment: This sequence change creates a premature translational stop signal (p.Glu343Ilefs*2) in the ATM gene. It is expected to result in an absent or disrupted protein product. Loss-of-function variants in ATM are known to be pathogenic (PMID: 23807571, 25614872). This variant is present in population databases (rs587780612, gnomAD 0.04%). This premature translational stop signal has been observed in individual(s) with ataxia-telangiectasia (PMID: 10330348, 10817650, 12552559, 18502988, 21792198, 22213089). This variant is also known as 1024delAAAG, 1027_1030delAAAG, and 1027del4. ClinVar contains an entry for this variant (Variation ID: 135731). RNA analysis performed to evaluate the impact of this premature translational stop signal on mRNA splicing indicates it does not significantly alter splicing (internal data). For these reasons, this variant has been classified as Pathogenic.

Natera, Inc.
Classification: Pathogenic for Ataxia-telangiectasia. Last evaluated: 2025-07-07. Review status: criteria provided, single submitter. Criteria: Natera Variant Classification Schema (03/2026). Collection method: clinical testing. Allele origin: germline.
Comment: The c.1027_1030delGAAA variant in ATM is a frameshift variant predicted to shift the reading frame beginning at codon 343 and leads to a stop codon 2 codons downstream. This variant is expected to result in nonsense mediated decay, truncation, or a dysfunctional protein product. This variant is rare in the general population with a frequency below the threshold expected for the associated phenotype(s). This variant has been observed in one or more individuals affected with the associated recessive disease, as either homozygous or compound heterozygous with a second variant (PMID: 28126470). Given the available evidence, this variant is classified as Pathogenic.

Ambry Genetics
Classification: Pathogenic for Hereditary cancer-predisposing syndrome. Last evaluated: 2025-05-12. Review status: criteria provided, single submitter. Criteria: Ambry Variant Classification Scheme 2023. Collection method: clinical testing. Allele origin: germline.
Comment: The c.1027_1030delGAAA pathogenic mutation, located in coding exon 7 of the ATM gene, results from a deletion of 4 nucleotides at nucleotide positions 1027 to 1030, causing a translational frameshift with a predicted alternate stop codon (p.E343Ifs*2). This mutation has been reported in numerous patients with classic Ataxia-Telangiectasia (A-T) (Teraoka SN et al. Am. J. Hum. Genet. 1999 Jun;64(6):1617-31; Becker-Catania SG et al. Mol. Genet. Metab. 2000 Jun;70(2):122-33; Buzin C et al. Hum. Mutat. 2003 Feb;21(2):123-31) and in an individual from a hereditary breast and ovarian cancer cohort (Desmond A et al. JAMA Oncol. 2015 Oct;1(7):943-51). ATM protein expression was found to be entirely absent in one A-T individual with this alteration in conjunction with another ATM mutation (Reiman A et al. Br. J. Cancer. 2011 Aug;105(4):586-91). Of note, this alteration is also designated as 1024delAAAG, c.1024_1027delAAAG, and 1027_1030delAAAG in published literature. In addition to the clinical data presented in the literature, this alteration is expected to result in loss of function by premature protein truncation or nonsense-mediated mRNA decay. As such, this alteration is interpreted as a disease-causing mutation.

Color Diagnostics, LLC DBA Color Health
Classification: Pathogenic for Hereditary cancer-predisposing syndrome. Last evaluated: 2024-05-13. Review status: criteria provided, single submitter. Criteria: ACMG Guidelines, 2015. Collection method: clinical testing. Allele origin: germline.
Comment: This variant deletes 4 nucleotides in exon 8 of the ATM gene, creating a frameshift and premature translation stop signal. This variant is expected to result in an absent or non-functional protein product. To our knowledge, functional studies have not been reported for this variant. In a large international case-control meta-analysis, this variant was reported in 2/60464 breast cancer cases and 1/53460 unaffected controls (PMID: 33471991). This variant has been reported in individuals with ataxia-telangiectasia (PMID: 10330348, 10817650, 12552559) with several confirmed in the compound heterozygous state (PMID: 10873394, 21792198, 22213089). This variant has been identified in 8/251144 chromosomes in the general population by the Genome Aggregation Database (gnomAD). Loss of ATM function is a known mechanism of disease. Based on the available evidence, this variant is classified as Pathogenic.

Baylor Genetics
Classification: Pathogenic for Familial cancer of breast. Last evaluated: 2024-03-19. Review status: criteria provided, single submitter. Criteria: ACMG Guidelines, 2015. Collection method: clinical testing. Allele origin: unknown.

Fulgent Genetics
Classification: Pathogenic for Familial cancer of breast; Ataxia-telangiectasia syndrome. Last evaluated: 2024-01-12. Review status: criteria provided, single submitter. Criteria: ACMG Guidelines, 2015. Collection method: clinical testing. Allele origin: germline.

Myriad Genetics, Inc.
Classification: Pathogenic for Familial cancer of breast. Last evaluated: 2024-01-11. Review status: criteria provided, single submitter. Criteria: Myriad Autosomal Dominant, Autosomal Recessive and X-Linked Classification Criteria (2023). Collection method: clinical testing. Allele origin: unknown.
Comment: This variant is considered pathogenic. This variant creates a frameshift predicted to result in premature protein truncation.

Blueprint Genetics
Classification: Pathogenic for ATM-related disorders. Last evaluated: 2023-12-15. Review status: criteria provided, single submitter. Criteria: ACMG Guidelines, 2015. Collection method: clinical testing. Allele origin: germline. Affected: yes. Observed: 2 variant alleles.

GeneDx
Classification: Pathogenic. Last evaluated: 2023-05-05. Review status: criteria provided, single submitter. Criteria: GeneDx Variant Classification Process June 2021. Collection method: clinical testing. Allele origin: germline. Affected: yes.
Comment: Frameshift variant predicted to result in protein truncation or nonsense mediated decay in a gene for which loss-of-function is a known mechanism of disease; Not observed at significant frequency in large population cohorts (gnomAD); Truncating variants in this gene are considered pathogenic by a well-established clinical consortium and/or database; Published functional studies demonstrate reduced levels of protein expression (Becker-Catania et al., 2000); This variant is associated with the following publications: (PMID: 22213089, 19535770, 18502988, 26270727, 28126470, 17985259, 28152038, 10330348, 12552559, 10817650, 21792198, 28873162, 30067863, 30267352, 29506128, 30716324, 29288088, 30980208, 30338439, 26689913, 31871297, 29625052, 29922827, 33858029, 10873394)

Sema4
Classification: Pathogenic for Hereditary cancer-predisposing syndrome. Last evaluated: 2021-10-11. Review status: criteria provided, single submitter. Criteria: Sema4 Curation Guidelines. Collection method: curation. Allele origin: germline.
Comment: The ATM c.1027_1030delGAAA (p.E343IfsX2) variant has been reported as compound heterozygosity or heterozygosity in several individuals with ataxia telangiectasia, breast cancer, or glioma (PMID: 10330348, 26270727, 29625052, 22213089, among others). Functional studies have shown that this variant alters the radiosensitivity of the protein as shown by a colony survival assay (PMID: 10873394). It is also known as 1024delAAAG in the literature. This variant causes a frameshift at amino acid 343 that results in premature termination 2 amino acids downstream. At this location, this is predicted to cause nonsense-mediated decay and result in an absent protein (loss of function). Loss of function variants in ATM are known to be pathogenic (PMID: 31050087). This variant was observed in 5/10076 chromosomes in the Ashkenazi Jewish population, according to the Genome Aggregation Database (PMID: 32461654). Based on the current evidence available, this variant is interpreted as pathogenic.

Revvity Omics, Revvity
Classification: Pathogenic for Ataxia-telangiectasia syndrome. Last evaluated: 2019-04-22. Review status: criteria provided, single submitter. Criteria: ACMG Guidelines, 2015. Collection method: clinical testing. Allele origin: germline.

Athena Diagnostics
Classification: Pathogenic. Last evaluated: 2018-03-31. Review status: criteria provided, single submitter. Criteria: Athena Diagnostics Criteria. Collection method: clinical testing. Allele origin: germline.

Quest Diagnostics Nichols Institute San Juan Capistrano
Classification: Pathogenic. Last evaluated: 2018-03-31. Review status: criteria provided, single submitter. Criteria: Quest Diagnostics criteria. Collection method: clinical testing. Allele origin: unknown.
Comment: The variant results in a shift of the reading frame, and is therefore predicted to significantly disrupt the protein structure. Additionally, the variant was found in at least one symptomatic patient, and found in general population data at a frequency that is consistent with pathogenicity.

NM_000051.4(ATM):c.1027_1030del (p.Glu343fs)

Gene: ATM (ATM serine/threonine kinase; plus strand). Cytogenetic location: 11q22.3.
Variant type: Deletion.
Coding change: c.1027_1030del on transcript NM_000051.4 (MANE Select); coding-DNA positions 1027 to 1030, 4 bases deleted (GAAA; older notation c.1027_1030delGAAA).
Protein change: p.Glu343fs; shifts the reading frame from glutamic acid 343.
Molecular consequence: frameshift variant.
Genome position (GRCh38, 1-based): chr11:108,247,089-108,247,092, GAAA deleted; deleting any 4 consecutive bases within chr11:108,247,086-108,247,092 gives the same sequence; the c. name uses the placement nearest the transcript's 3' end. VCF-style (leftmost placement, unchanged base first): chr11-108247085-CAAAG-C. GRCh37 (hg19) VCF-style: chr11-108117812-CAAAG-C.
Other names: c.1027_1030del, p.Glu343fs (NM_001351834.2); c.1027_1030delGAAA (NM_000051.3); short protein forms E343fs.
Identifiers: ClinVar variation 135731 (VCV000135731.39), dbSNP rs587780612, ClinGen allele CA165318.